The following is an entry in ClinVar:

NM_206933.4(USH2A):c.3680G>C (p.Gly1227Ala)

Genes: USH2A (usherin; minus strand), USH2A-AS1 (USH2A antisense RNA 1; plus strand). Cytogenetic location: 1q41.
Variant type: single nucleotide variant.
Coding change: c.3680G>C on transcript NM_206933.4 (MANE Select); coding-DNA position 3680, G replaced by C.
Protein change: p.Gly1227Ala; replaces glycine 1227 with alanine.
Molecular consequence: missense variant.
Genome position (GRCh38, 1-based): chr1:216,199,758, C>G on the plus strand (G>C on the coding strand, the complement: USH2A is on the minus strand). VCF-style: chr1-216199758-C-G. GRCh37 (hg19) VCF-style: chr1-216373100-C-G.
Other names: c.3680G>C (NM_206933.2); c.3680G>C, p.Gly1227Ala (NM_007123.6); short protein forms G1227A.
Identifiers: ClinVar variation 2072014 (VCV002072014.7), dbSNP rs771787208, ClinGen allele CA1395940.

ClinVar aggregate classification (germline): Uncertain significance. Review status: criteria provided, multiple submitters, no conflicts (2 of 4 stars). 6 submissions from 5 submitters: Uncertain significance (6). Last evaluated 2025-11-26.

Conditions:
Inborn genetic diseases. Identifiers: MedGen C0950123, MeSH D030342.
Retinitis pigmentosa 39 (RP39). Identifiers: Orphanet 791, MedGen C3151138, MONDO:0013436, OMIM 613809.
Usher syndrome type 2A. Also called: RETINAL DISEASE IN USHER SYNDROME TYPE IIA, MODIFIER OF; USHER SYNDROME, TYPE IIA. Identifiers: Orphanet 231178, Orphanet 886, MedGen C1848634, MONDO:0010169, OMIM 276901.

Allele frequency attached by ClinVar (database versions not stated): ExAC 0.00001; gnomAD 0.00001; TOPMed 0.00001.
gnomAD v4.1: 26 of 1,613,976 alleles (0.0016%); highest among the groups gnomAD compares: Non-Finnish European, 0.0022%; no homozygotes.

Submissions (6):

Ambry Genetics
Classification: Uncertain significance for Inborn genetic diseases. Last evaluated: 2025-11-26. Review status: criteria provided, single submitter. Criteria: Ambry Variant Classification Scheme 2023. Collection method: clinical testing. Allele origin: germline.

Greenwood Genetic Center Diagnostic Laboratories, Greenwood Genetic Center
Classification: Uncertain significance. Last evaluated: 2025-11-25. Review status: criteria provided, single submitter. Criteria: ACMG Guidelines, 2015. Collection method: clinical testing. Allele origin: germline. Affected: yes.
Comment: PM2, PP3

Genome-Nilou Lab
Classification: Uncertain significance for Retinitis pigmentosa 39. Last evaluated: 2023-11-04. Review status: criteria provided, single submitter. Criteria: ACMG Guidelines, 2015. Collection method: clinical testing. Allele origin: germline. Affected: no.

Genome-Nilou Lab
Classification: Uncertain significance for Usher syndrome type 2A. Last evaluated: 2023-11-04. Review status: criteria provided, single submitter. Criteria: ACMG Guidelines, 2015. Collection method: clinical testing. Allele origin: germline. Affected: no.

Blueprint Genetics
Classification: Uncertain significance. Last evaluated: 2022-06-17. Review status: criteria provided, single submitter. Criteria: ACMG Guidelines, 2015. Collection method: clinical testing. Allele origin: germline.

Labcorp Genetics (formerly Invitae), Labcorp
Classification: Uncertain significance. Last evaluated: 2022-03-04. Review status: criteria provided, single submitter. Criteria: Invitae Variant Classification Sherloc (09022015). Collection method: clinical testing. Allele origin: germline.
Comment: This sequence change replaces glycine, which is neutral and non-polar, with alanine, which is neutral and non-polar, at codon 1227 of the USH2A protein (p.Gly1227Ala). This variant is present in population databases (rs771787208, gnomAD 0.0009%). This variant has not been reported in the literature in individuals affected with USH2A-related conditions. Algorithms developed to predict the effect of missense changes on protein structure and function are either unavailable or do not agree on the potential impact of this missense change (SIFT: "Tolerated"; PolyPhen-2: "Probably Damaging"; Align-GVGD: "Class C0"). In summary, the available evidence is currently insufficient to determine the role of this variant in disease. Therefore, it has been classified as a Variant of Uncertain Significance.